The following is an entry in ClinVar:

ClinVar aggregate classification (germline): Uncertain significance. Review status: criteria provided, multiple submitters, no conflicts (2 of 4 stars). 2 submissions from 2 submitters: Uncertain significance (2). Last evaluated 2025-04-28.

Conditions:
Floating-Harbor syndrome (FLHS). Also called: SRCAP-Related Floating-Harbor Syndrome; Short stature with delayed bone age, expressive language delay, a triangular face with a prominent nose and deep-set eyes; Pelletier-Leisti syndrome. Identifiers: Orphanet 2044, MedGen C0729582, MONDO:0007621, OMIM 136140.
Developmental delay, hypotonia, musculoskeletal defects, and behavioral abnormalities. Identifiers: MedGen C5562012, MONDO:0859202, OMIM 619595.

Allele frequency attached by ClinVar (database versions not stated): gnomAD 0.00001; gnomAD exomes 0.00001 and 0.00004; TOPMed 0.00002; ExAC 0.00004.
gnomAD v4.1: 8 of 1,562,454 alleles (0.00051%); highest among the groups gnomAD compares: East Asian, 0.018%; no homozygotes.

Submissions (2):

Labcorp Genetics (formerly Invitae), Labcorp
Classification: Uncertain significance. Last evaluated: 2025-04-28. Review status: criteria provided, single submitter. Criteria: Invitae Variant Classification Sherloc (09022015). Collection method: clinical testing. Allele origin: germline.
Comment: This sequence change replaces isoleucine, which is neutral and non-polar, with threonine, which is neutral and polar, at codon 2805 of the SRCAP protein (p.Ile2805Thr). This variant is present in population databases (rs753836409, gnomAD 0.05%). This variant has not been reported in the literature in individuals affected with SRCAP-related conditions. ClinVar contains an entry for this variant (Variation ID: 1509735). Invitae Evidence Modeling of protein sequence and biophysical properties (such as structural, functional, and spatial information, amino acid conservation, physicochemical variation, residue mobility, and thermodynamic stability) indicates that this missense variant is not expected to disrupt SRCAP protein function with a negative predictive value of 80%. In summary, the available evidence is currently insufficient to determine the role of this variant in disease. Therefore, it has been classified as a Variant of Uncertain Significance.

Fulgent Genetics
Classification: Uncertain significance for Floating-Harbor syndrome; Developmental delay, hypotonia, musculoskeletal defects, and behavioral abnormalities. Last evaluated: 2022-04-14. Review status: criteria provided, single submitter. Criteria: ACMG Guidelines, 2015. Collection method: clinical testing. Allele origin: unknown.

NM_006662.3(SRCAP):c.8414T>C (p.Ile2805Thr)

Gene: SRCAP (Snf2 related CREBBP activator protein; plus strand). Cytogenetic location: 16p11.2.
Variant type: single nucleotide variant.
Coding change: c.8414T>C on transcript NM_006662.3 (MANE Select); coding-DNA position 8414, T replaced by C.
Protein change: p.Ile2805Thr; replaces isoleucine 2805 with threonine.
Molecular consequence: missense variant.
Genome position (GRCh38, 1-based): chr16:30,738,454, T>C. VCF-style: chr16-30738454-T-C. GRCh37 (hg19) VCF-style: chr16-30749775-T-C.
Other names: short protein forms I2805T.
Identifiers: ClinVar variation 1509735 (VCV001509735.7), dbSNP rs753836409, ClinGen allele CA8012693.
Genomic context (GRCh38, chr16:30,738,454, plus strand): 5'-GTGCCAGCCCGGGAAGCCCGTCTGTCCGCAGCATGTCAGGGCCAGAATCCTCCCCTCCCA[T>C]TGGTGGGCCCTGTGAAGCTGCTCCTTCATCCTCACTGCCCACTCCACCCCAGCAGCCCTT-3'
Protein context (NP_006653.2, residues 2795-2815): SMSGPESSPP[Ile2805Thr]GGPCEAAPSS